The following is an entry in ClinVar:

ClinVar aggregate classification (germline): Uncertain significance (1 of 4 stars; one submission).

Conditions:
Charcot-Marie-Tooth disease type 4. Also called: Charcot-Marie-Tooth disease, type IV; Charcot-Marie-Tooth, Type 4. Identifiers: Orphanet 64749, MedGen C4082197, MONDO:0018995.

Allele frequency attached by ClinVar (database versions not stated): gnomAD exomes below 0.00001.
gnomAD v4.1: 2 of 1,614,204 alleles (0.00012%); highest among the groups gnomAD compares: Non-Finnish European, 0.00017%; no homozygotes.

Submission:

Labcorp Genetics (formerly Invitae), Labcorp
Classification: Uncertain significance for Charcot-Marie-Tooth disease type 4. Last evaluated: 2022-03-19. Review status: criteria provided, single submitter. Criteria: Invitae Variant Classification Sherloc (09022015). Collection method: clinical testing. Allele origin: germline.
Comment: In summary, the available evidence is currently insufficient to determine the role of this variant in disease. Therefore, it has been classified as a Variant of Uncertain Significance. Algorithms developed to predict the effect of missense changes on protein structure and function output the following: SIFT: "Tolerated"; PolyPhen-2: "Benign"; Align-GVGD: "Class C0". The threonine amino acid residue is found in multiple mammalian species, which suggests that this missense change does not adversely affect protein function. ClinVar contains an entry for this variant (Variation ID: 954240). This variant has not been reported in the literature in individuals affected with FGD4-related conditions. This variant is not present in population databases (gnomAD no frequency). This sequence change replaces alanine, which is neutral and non-polar, with threonine, which is neutral and polar, at codon 108 of the FGD4 protein (p.Ala108Thr).

NM_001370298.3(FGD4):c.733G>A (p.Ala245Thr)

Gene: FGD4 (FYVE, RhoGEF and PH domain containing 4; plus strand). Cytogenetic location: 12p11.21.
Variant type: single nucleotide variant.
Coding change: c.733G>A on transcript NM_001370298.3 (MANE Select); coding-DNA position 733, G replaced by A.
Protein change: p.Ala245Thr; replaces alanine 245 with threonine.
Molecular consequence: missense variant. On other transcripts: 5 prime UTR variant (2), non-coding transcript variant (1), intron variant (1).
Genome position (GRCh38, 1-based): chr12:32,582,189, G>A. VCF-style: chr12-32582189-G-A. GRCh37 (hg19) VCF-style: chr12-32735123-G-A.
Other names: c.577G>A, p.Ala193Thr (NM_001304481.2); c.-523G>A (NM_001304483.2); c.-830G>A (NM_001304484.2); c.43G>A, p.Ala15Thr (NM_001330373.2, NM_001330374.2, NM_001384130.1); c.733G>A, p.Ala245Thr (NM_001384126.1); c.322G>A, p.Ala108Thr (NM_001384127.1, NM_001384128.1, NM_001384131.1 and 3 more transcripts); c.49-16308G>A (NM_001370297.1); short protein forms A108T, A15T, A193T, A245T.
Identifiers: ClinVar variation 954240 (VCV000954240.9), dbSNP rs1946669350, ClinGen allele CA384356014.